The following is an entry in ClinVar:

ClinVar aggregate classification (germline): Pathogenic (1 of 4 stars; one submission).

Submission:

Labcorp Genetics (formerly Invitae), Labcorp
Classification: Pathogenic. Last evaluated: 2022-11-08. Review status: criteria provided, single submitter. Criteria: Invitae Variant Classification Sherloc (09022015). Collection method: clinical testing. Allele origin: germline.
Comment: For these reasons, this variant has been classified as Pathogenic. This variant disrupts a region of the LRP5 protein in which other variant(s) (p.Thr1041Met) have been determined to be pathogenic (PMID: 30452590; Invitae). This suggests that this is a clinically significant region of the protein, and that variants that disrupt it are likely to be disease-causing. This variant has not been reported in the literature in individuals affected with LRP5-related conditions. This variant is a gross deletion of the genomic region encompassing exon(s) 14-23 of the LRP5 gene, which includes the termination codon. This deletion extends beyond the assayed region for this gene and therefore may encompass additional genes. While this deletion is not anticipated to lead to nonsense mediated decay, it is expected to alter mRNA translation or result in a truncated protein product.

Literature cited by the submitters: PubMed 30452590.

NC_000011.9:g.(?_68190957)_(68216538_?)del

Gene: LRP5 (LDL receptor related protein 5; plus strand). Cytogenetic location: 11q13.2.
Variant type: Deletion.
Identifiers: ClinVar variation 1003536 (VCV001003536.7).